The following is an entry in ClinVar:

NM_004655.4(AXIN2):c.2319A>C (p.Glu773Asp)

Gene: AXIN2 (axin 2; minus strand). Cytogenetic location: 17q24.1.
Variant type: single nucleotide variant.
Coding change: c.2319A>C on transcript NM_004655.4 (MANE Select); coding-DNA position 2319, A replaced by C.
Protein change: p.Glu773Asp; replaces glutamic acid 773 with aspartic acid.
Molecular consequence: missense variant.
Genome position (GRCh38, 1-based): chr17:65,533,998, T>G on the plus strand (A>C on the coding strand, the complement: AXIN2 is on the minus strand). VCF-style: chr17-65533998-T-G. GRCh37 (hg19) VCF-style: chr17-63530116-T-G.
Other names: c.2124A>C, p.Glu708Asp (NM_001363813.1); short protein forms E773D, E708D.
Identifiers: ClinVar variation 1397185 (VCV001397185.8), dbSNP rs562638973, ClinGen allele CA400675510.

ClinVar aggregate classification (germline): Uncertain significance (1 of 4 stars; one submission).

Conditions:
Oligodontia-cancer predisposition syndrome. Also called: TOOTH AGENESIS-COLORECTAL CANCER SYNDROME. Identifiers: Orphanet 300576, MedGen C1837750, MONDO:0012075, OMIM 608615. Disease mechanism: loss of function.

Submission:

Labcorp Genetics (formerly Invitae), Labcorp
Classification: Uncertain significance for Oligodontia-cancer predisposition syndrome. Last evaluated: 2021-05-25. Review status: criteria provided, single submitter. Criteria: Invitae Variant Classification Sherloc (09022015). Collection method: clinical testing. Allele origin: germline.
Comment: This variant is not present in population databases (ExAC no frequency). This sequence change replaces glutamic acid with aspartic acid at codon 773 of the AXIN2 protein (p.Glu773Asp). The glutamic acid residue is highly conserved and there is a small physicochemical difference between glutamic acid and aspartic acid. This variant has not been reported in the literature in individuals with AXIN2-related conditions. In summary, the available evidence is currently insufficient to determine the role of this variant in disease. Therefore, it has been classified as a Variant of Uncertain Significance. Algorithms developed to predict the effect of missense changes on protein structure and function are either unavailable or do not agree on the potential impact of this missense change (SIFT: "Deleterious"; PolyPhen-2: "Probably Damaging"; Align-GVGD: "Class C15").